The following is an entry in ClinVar:

NM_001873.4(CPE):c.180C>T (p.Arg60=)

Gene: CPE (carboxypeptidase E; plus strand). Cytogenetic location: 4q32.3.
Variant type: single nucleotide variant.
Coding change: c.180C>T on transcript NM_001873.4 (MANE Select); coding-DNA position 180, C replaced by T.
Protein change: p.Arg60=; no amino-acid change (arginine 60 retained).
Molecular consequence: synonymous variant.
Genome position (GRCh38, 1-based): chr4:165,379,401, C>T. VCF-style: chr4-165379401-C-T. GRCh37 (hg19) VCF-style: chr4-166300553-C-T.
Identifiers: ClinVar variation 4981719 (VCV004981719.1).
Genomic context (GRCh38, chr4:165,379,401, plus strand): 5'-CCGGCGGCTGCAGCAAGAGGACGGCATCTCCTTCGAGTACCACCGCTACCCCGAGCTGCG[C>T]GAGGCGCTCGTGTCCGTGTGGCTGCAGTGCACCGCCATCAGCAGGATTTACACGGTGGGG-3'
Protein context (NP_001864.1, residues 50-70): SFEYHRYPEL[Arg60=]EALVSVWLQC

ClinVar aggregate classification (germline): Likely benign (1 of 4 stars; one submission).

Conditions:
CPE-related disorder. Also called: CPE-related condition.

gnomAD v4.1: 18 of 1,609,852 alleles (0.0011%); highest among the groups gnomAD compares: African/African-American, 0.023%; no homozygotes.

Submission:

PreventionGenetics, part of Exact Sciences
Classification: Likely benign for CPE-related condition. Last evaluated: 2025-03-21. Review status: criteria provided, single submitter. Criteria: ACMG Guidelines, 2015. Collection method: clinical testing. Allele origin: germline.
Comment: This variant is classified as likely benign based on ACMG/AMP sequence variant interpretation guidelines (Richards et al. 2015 PMID: 25741868, with internal and published modifications).